The following is an entry in ClinVar:

ClinVar aggregate classification (germline): Conflicting classifications of pathogenicity. Review status: criteria provided, conflicting classifications (1 of 4 stars). 3 submissions from 3 submitters: Uncertain significance (1); Benign (1); Likely benign (1). Last evaluated 2026-05-06.

Conditions:
Colorectal cancer, hereditary nonpolyposis, type 7. Identifiers: Orphanet 144, MedGen C1858380, MONDO:0013725, OMIM 614385.

Allele frequency attached by ClinVar (database versions not stated): gnomAD 0.00001; gnomAD exomes 0.00001; TOPMed 0.00003.
gnomAD v4.1: 8 of 1,613,182 alleles (0.0005%); highest among the groups gnomAD compares: Admixed American, 0.01%; no homozygotes.

Submissions (3):

Myriad Genetics, Inc.
Classification: Benign for Colorectal cancer, hereditary nonpolyposis, type 7. Last evaluated: 2026-05-06. Review status: criteria provided, single submitter. Criteria: Myriad Autosomal Dominant, Autosomal Recessive and X-Linked Classification Criteria (2023). Collection method: clinical testing. Allele origin: unknown.
Comment: This variant is considered benign. This variant is a silent/synonymous amino acid change and it is not expected to impact splicing.

Ambry Genetics
Classification: Uncertain significance. Last evaluated: 2024-12-02. Review status: criteria provided, single submitter. Criteria: Ambry Variant Classification Scheme 2023. Collection method: clinical testing. Allele origin: germline.
Comment: The c.3834C>T variant (also known as p.Y1278Y), located in coding exon 8 of the MLH3 gene, results from a C to T substitution at nucleotide position 3834. This nucleotide substitution does not change the tyrosine at codon 1278. This nucleotide position is well conserved in available vertebrate species. In silico splice site analysis for this alteration is inconclusive. The evidence for this gene-disease relationship is limited; therefore, the clinical significance of this alteration is unclear.

Labcorp Genetics (formerly Invitae), Labcorp
Classification: Likely benign for Colorectal cancer, hereditary nonpolyposis, type 7. Last evaluated: 2024-09-15. Review status: criteria provided, single submitter. Criteria: Invitae Variant Classification Sherloc (09022015). Collection method: clinical testing. Allele origin: germline.

NM_001040108.2(MLH3):c.3834C>T (p.Tyr1278=)

Gene: MLH3 (mutL homolog 3; minus strand). Cytogenetic location: 14q24.3.
Variant type: single nucleotide variant.
Coding change: c.3834C>T on transcript NM_001040108.2 (MANE Select); coding-DNA position 3834, C replaced by T.
Protein change: p.Tyr1278=; no amino-acid change (tyrosine 1278 retained).
Molecular consequence: synonymous variant.
Genome position (GRCh38, 1-based): chr14:75,030,696, G>A on the plus strand (C>T on the coding strand, the complement: MLH3 is on the minus strand). VCF-style: chr14-75030696-G-A. GRCh37 (hg19) VCF-style: chr14-75497399-G-A.
Other names: c.3762C>T, p.Tyr1254= (NM_014381.3).
Identifiers: ClinVar variation 1735372 (VCV001735372.6), dbSNP rs1280419101, ClinGen allele CA487175819.